The following continues an entry in ClinVar:

NM_020975.6(RET):c.2752A>G (p.Met918Val)

Gene: RET. ClinVar aggregate classification (germline): Pathogenic/Likely pathogenic. Pathogenic (4); Likely pathogenic (7).

Submissions 7 to 11 of 11:

Women's Health and Genetics/Laboratory Corporation of America, LabCorp
Classification: Pathogenic for Multiple endocrine neoplasia, type 2. Last evaluated: 2024-08-19. Review status: criteria provided, single submitter. Criteria: LabCorp Variant Classification Summary - May 2015. Collection method: clinical testing. Allele origin: germline.
Comment: Variant summary: RET c.2752A>G (p.Met918Val) results in a conservative amino acid change located in the Protein kinase domain (IPR000719) of the encoded protein sequence. Four of five in-silico tools predict a damaging effect of the variant on protein function. The variant was absent in 251478 control chromosomes. c.2752A>G has been reported in the literature in multiple individuals affected with Multiple Endocrine Neoplasia Type 2/Familial Medullary Thyroid Carcinoma (e.g. Martins-Costa_2016). These data indicate that the variant is very likely to be associated with disease. At least one publication reports experimental evidence evaluating an impact on protein function. The most pronounced variant effect showed a moderate effect on cell growth in transfected cells and a metabolomic profile consistent with a moderate risk (Veyrat-Durebex_2019). The following publications have been ascertained in the context of this evaluation (PMID: 27807060, 30653460). ClinVar contains an entry for this variant (Variation ID: 38614). Based on the evidence outlined above, the variant was classified as pathogenic.

All of Us Research Program, National Institutes of Health
Classification: Likely pathogenic for Multiple endocrine neoplasia, type 2. Last evaluated: 2024-07-29. Review status: criteria provided, single submitter. Criteria: ACMG Guidelines, 2015. Collection method: clinical testing. Allele origin: germline. Inheritance: Autosomal dominant inheritance. Observed: 1 variant allele, 1 heterozygote.
Comment: This missense variant replaces methionine with valine at codon 918 of the RET protein. Computational prediction suggests that this variant may have deleterious impact on protein structure and function. Functional studies have shown this variant does not increase transforming ability or cell proliferation (PMID: 9075701, 21810974), one study showed an increase in colony formation compared to wild-type RET (PMID: 21810974). This variant has been reported in at least 13 individuals affected with medullary thyroid cancer (PMID: 20516206, 27807060, 28946813, 30624503, 30763276, 33827484). This variant has been shown to segregate with disease in two families, but has also been observed in unaffected individuals (PMID: 27807060). This variant has not been identified in the general population by the Genome Aggregation Database (gnomAD). A different variant occurring at the same codon, p.Met918Thr, is a well-documented pathogenic mutation (ClinVar variation ID: 13919), indicating that methionine at this position is important for RET protein function. Based on the available evidence, this variant is classified as Likely Pathogenic.

This study involves interpretation of variants in research participants for the purpose of population health screening. Participant phenotype was not available at the time of variant classification. Additional details can be found in publication PMID: 35346344, PMCID: PMC8962531

GeneDx
Classification: Pathogenic. Last evaluated: 2023-07-26. Review status: criteria provided, single submitter. Criteria: GeneDx Variant Classification Process June 2021. Collection method: clinical testing. Allele origin: germline. Affected: yes.
Comment: In silico analysis supports that this missense variant has a deleterious effect on protein structure/function; Not observed at significant frequency in large population cohorts (gnomAD); This variant is associated with the following publications: (PMID: 9075701, 22429913, 23180660, 28698189, 27539727, 20516206, 27807060, 37321569, 25440022, 14633923, 30624503, 31510104, 30763276, 21810974, 33827484, 28946813)

Quest Diagnostics Nichols Institute San Juan Capistrano
Classification: Pathogenic. Last evaluated: 2023-05-26. Review status: criteria provided, single submitter. Criteria: Quest Diagnostics criteria. Collection method: clinical testing. Allele origin: unknown.
Comment: In the published literature, this variant has been reported to segregate in affected families with medullary thyroid cancer (PMIDs: 30763276 (2019) and 33827484 (2021)) and C-cell hyperplasia (PMID: 27807060 (2016)). Functional analysis yielded inconclusive results regarding the impact of this variant on protein function (PMID: 9075701 (1997)). This variant has not been reported in large, multi-ethnic general populations (Genome Aggregation Database). Analysis of this variant using bioinformatics tools (i.e., MutationTaster and PolyPhen-2) for the prediction of the effect of amino acid changes on protein structure and function yielded predictions that this variant is damaging. Based on the available information, this variant is classified as pathogenic.

Myriad Genetics, Inc.
Classification: Likely pathogenic for Multiple endocrine neoplasia type 2A. Last evaluated: 2023-03-01. Review status: criteria provided, single submitter. Criteria: Myriad Autosomal Dominant, Autosomal Recessive and X-Linked Classification Criteria (2023). Collection method: clinical testing. Allele origin: unknown.
Comment: This variant is considered likely pathogenic. This variant has been reported in multiple individuals with clinical features of gene-specific disease [PMID: 30624503, 21810974, 28946813, 33827484]. Functional studies indicate this variant impacts protein function [PMID: 30653460].

Literature cited by the submitters: PubMed 20516206 (cited by 6 submitters); PubMed 21810974 (cited by 7 submitters); PubMed 27807060 (cited by 7 submitters); PubMed 28946813 (cited by 6 submitters); PubMed 30624503 (cited by 6 submitters); PubMed 25440022 (cited by Labcorp Genetics (formerly Invitae), Labcorp and Quest Diagnostics Nichols Institute San Juan Capistrano); PubMed 33827484 (cited by 6 submitters); PubMed 9075701 (cited by 5 submitters); PubMed 30763276 (cited by 4 submitters); PubMed 30653460 (cited by Women's Health and Genetics/Laboratory Corporation of America, LabCorp and Myriad Genetics, Inc.).